The following is an entry in ClinVar:

NM_001369.3(DNAH5):c.6796G>A (p.Ala2266Thr)

Gene: DNAH5 (dynein axonemal heavy chain 5; minus strand). Cytogenetic location: 5p15.2.
Variant type: single nucleotide variant.
Coding change: c.6796G>A on transcript NM_001369.3 (MANE Select); coding-DNA position 6796, G replaced by A.
Protein change: p.Ala2266Thr; replaces alanine 2266 with threonine.
Molecular consequence: missense variant.
Genome position (GRCh38, 1-based): chr5:13,820,391, C>T on the plus strand (G>A on the coding strand, the complement: DNAH5 is on the minus strand). VCF-style: chr5-13820391-C-T. GRCh37 (hg19) VCF-style: chr5-13820500-C-T.
Other names: short protein forms A2266T.
Identifiers: ClinVar variation 1003707 (VCV001003707.18), dbSNP rs1023849945, ClinGen allele CA113928548.

ClinVar aggregate classification (germline): Uncertain significance (1 of 4 stars; one submission).

Conditions:
Primary ciliary dyskinesia. Also called: Ciliary dyskinesia. Identifiers: Orphanet 244, MedGen C0008780, MONDO:0016575, HP:0012265.

Submission:

Labcorp Genetics (formerly Invitae), Labcorp
Classification: Uncertain significance for Primary ciliary dyskinesia. Last evaluated: 2022-07-11. Review status: criteria provided, single submitter. Criteria: Invitae Variant Classification Sherloc (09022015). Collection method: clinical testing. Allele origin: germline.
Comment: In summary, the available evidence is currently insufficient to determine the role of this variant in disease. Therefore, it has been classified as a Variant of Uncertain Significance. Advanced modeling of protein sequence and biophysical properties (such as structural, functional, and spatial information, amino acid conservation, physicochemical variation, residue mobility, and thermodynamic stability) performed at Invitae indicates that this missense variant is not expected to disrupt DNAH5 protein function. ClinVar contains an entry for this variant (Variation ID: 1003707). This variant has not been reported in the literature in individuals affected with DNAH5-related conditions. This variant is not present in population databases (gnomAD no frequency). This sequence change replaces alanine, which is neutral and non-polar, with threonine, which is neutral and polar, at codon 2266 of the DNAH5 protein (p.Ala2266Thr).